The following is an entry in ClinVar:

NM_004260.4(RECQL4):c.2544C>T (p.Arg848=)

Gene: RECQL4 (RecQ like helicase 4; minus strand). Cytogenetic location: 8q24.3.
Variant type: single nucleotide variant.
Coding change: c.2544C>T on transcript NM_004260.4 (MANE Select); coding-DNA position 2544, C replaced by T.
Protein change: p.Arg848=; no amino-acid change (arginine 848 retained).
Molecular consequence: synonymous variant.
Genome position (GRCh38, 1-based): chr8:144,513,058, G>A on the plus strand (C>T on the coding strand, the complement: RECQL4 is on the minus strand). VCF-style: chr8-144513058-G-A. GRCh37 (hg19) VCF-style: chr8-145738441-G-A.
Identifiers: ClinVar variation 239736 (VCV000239736.32), dbSNP rs200114521, ClinGen allele CA4948192.
Genomic context (GRCh38, chr8:144,513,058, plus strand): 5'-CACGGCCCCTTCCTGCTCCGAGGGCGGCCTGGTGCAGGTGCAGGTGCAGGCTGGGAACAC[G>A]CGCTGTACCAGCCTCTTCACAGCCAGGAAGTCCGTGCTGTCGGCGTGCACATGTCTGCGC-3'
Protein context (NP_004251.4, residues 838-858): DFLAVKRLVQ[Arg848=]VFPACTCTCT

ClinVar aggregate classification (germline): Benign/Likely benign. Review status: criteria provided, multiple submitters, no conflicts (2 of 4 stars). 8 submissions from 8 submitters: Benign (2); Likely benign (5). 1 of the submissions does not count toward it. Last evaluated 2026-01-26.

Conditions:
Rothmund-Thomson syndrome type 2 (RTS2). Identifiers: Orphanet 221016, MedGen C5203410, MONDO:0016369, OMIM 268400.
RECQL4-related disorder. Also called: RECQL4-related disorders; RECQL4-related condition.
Hereditary cancer-predisposing syndrome. Also called: Tumor predisposition; Hereditary Cancer Syndrome; Neoplastic Syndromes, Hereditary; Hereditary neoplastic syndrome. Identifiers: Orphanet 140162, MedGen C0027672, MeSH D009386, MONDO:0015356.
Baller-Gerold syndrome (BGS). Also called: CRANIOSYNOSTOSIS WITH RADIAL DEFECTS. Identifiers: Orphanet 1225, MedGen C0265308, MONDO:0009039, OMIM 218600.

Allele frequency attached by ClinVar (database versions not stated): 1000 Genomes Project 30x 0.00016; 1000 Genomes Project 0.00020; gnomAD exomes 0.00111; TOPMed 0.00146; gnomAD 0.00169; ESP Exome Variant Server 0.00224.
gnomAD v4.1: 2,970 of 1,580,016 alleles (0.19%); highest among the groups gnomAD compares: Non-Finnish European, 0.23%; 5 homozygotes.

Submissions (8):

Labcorp Genetics (formerly Invitae), Labcorp
Classification: Benign for Baller-Gerold syndrome. Last evaluated: 2026-01-26. Review status: criteria provided, single submitter. Criteria: Invitae Variant Classification Sherloc (09022015). Collection method: clinical testing. Allele origin: germline.

CeGaT Center for Human Genetics Tuebingen
Classification: Likely benign. Last evaluated: 2025-09-01. Review status: criteria provided, single submitter. Criteria: CeGaT Center For Human Genetics Tuebingen Variant Classification Criteria Version 2. Collection method: clinical testing. Allele origin: germline. Affected: yes. Observed: 4 variant alleles.
Comment: RECQL4: BP7, BS2

Blueprint Genetics
Classification: Likely benign. Last evaluated: 2024-10-29. Review status: criteria provided, single submitter. Criteria: ACMG Guidelines, 2015. Collection method: clinical testing. Allele origin: germline.

KCCC/NGS Laboratory, Kuwait Cancer Control Center
Classification: Benign for Rothmund-Thomson syndrome type 2. Last evaluated: 2023-07-07. Review status: criteria provided, single submitter. Criteria: ACMG Guidelines, 2015. Collection method: clinical testing. Allele origin: germline. Affected: yes.

Sema4
Classification: Likely benign for Hereditary cancer-predisposing syndrome. Last evaluated: 2021-05-07. Review status: criteria provided, single submitter. Criteria: Sema4 Curation Guidelines. Collection method: curation. Allele origin: germline.

GeneDx
Classification: Likely benign. Last evaluated: 2021-03-30. Review status: criteria provided, single submitter. Criteria: GeneDx Variant Classification Process June 2021. Collection method: clinical testing. Allele origin: germline. Affected: yes.

Breakthrough Genomics
Classification: Likely benign. Review status: criteria provided, single submitter. Criteria: ACMG Guidelines, 2015. Collection method: not provided. Allele origin: germline. Inheritance: Autosomal recessive inheritance. Affected: yes.

PreventionGenetics, part of Exact Sciences
Classification: Likely benign for RECQL4-related condition. Last evaluated: 2022-05-11. Review status: no assertion criteria provided. Collection method: clinical testing. Allele origin: germline. Not counted in ClinVar's aggregate classification.
Comment: This variant is classified as likely benign based on ACMG/AMP sequence variant interpretation guidelines (Richards et al. 2015 PMID: 25741868, with internal and published modifications).